The following is an entry in ClinVar:

NC_000002.11:g.(?_241818121)_(241818248_?)del

Gene: AGXT (alanine--glyoxylate aminotransferase; plus strand). Cytogenetic location: 2q37.3.
Variant type: Deletion.
Identifiers: ClinVar variation 2422154 (VCV002422154.4).

ClinVar aggregate classification (germline): Pathogenic (1 of 4 stars; one submission).

Submission:

Labcorp Genetics (formerly Invitae), Labcorp
Classification: Pathogenic. Last evaluated: 2022-01-17. Review status: criteria provided, single submitter. Criteria: Invitae Variant Classification Sherloc (09022015). Collection method: clinical testing. Allele origin: germline.
Comment: For these reasons, this variant has been classified as Pathogenic. This variant disrupts a region of the AGXT protein in which other variant(s) (p.Arg360Gln) have been determined to be pathogenic (PMID: 21705122, 27935012, 30341509). This suggests that this is a clinically significant region of the protein, and that variants that disrupt it are likely to be disease-causing. This variant has not been reported in the literature in individuals affected with AGXT-related conditions. This variant is a gross deletion of the genomic region encompassing exon(s) 11 of the AGXT gene, which includes the termination codon. This deletion extends beyond the assayed region for this gene and therefore may encompass additional genes. While this deletion is not anticipated to lead to nonsense mediated decay, it is expected to alter mRNA translation or result in a truncated protein product.

Literature cited by the submitters: PubMed 21705122; PubMed 27935012; PubMed 30341509.